The following is an entry in ClinVar:

ClinVar aggregate classification (germline): Likely pathogenic (1 of 4 stars; one submission).

Conditions:
Marfan syndrome (MFS). Also called: MARFAN SYNDROME, TYPE I; Marfan syndrome type 1; Marfan's syndrome; Marfan syndrome, classic; FBN1-Related Marfan Syndrome. Identifiers: Orphanet 284963, Orphanet 558, MedGen C0024796, MONDO:0007947, OMIM 154700.

Submission:

All of Us Research Program, National Institutes of Health
Classification: Likely pathogenic for Marfan syndrome. Last evaluated: 2023-11-15. Review status: criteria provided, single submitter. Criteria: ACMG Guidelines, 2015. Collection method: clinical testing. Allele origin: germline. Inheritance: Autosomal dominant inheritance. Observed: 1 variant allele, 1 heterozygote.
Comment: The c.6739+2T>C variant of the FBN1 gene is located at the canonical donor splice site of intron 55. This variant has not been reported in individuals with FBN1 related conditions in the literature. In-silico computational prediction tools suggest that the c.6739+2T>C variant likely leads to donor loss (SpliceAI: 0.8416) and disturb normal splicing, resulting in an aberrant or absence of protein product (PMID: 16199547). Functional studies have not been reported proving the splicing defect of this variant. Loss-of-function variants in FBN1 are known to be pathogenic (PMID:17701892, 30286810, 21063442). Another intronic variant that affects the same donor splice site, c.6739+1G>A, has been reported in individuals with Marfan syndrome or thoracic aortic aneurysm and dissection (PMID: 8101042, 17657824, 25652356, 28973303) and classified as likely pathogenic/pathogenic by ClinVar submitters (ClinVar ID: 222618). This variant is absent in the general population database (gnomAD). Therefore, the c.6739+2T>C variant in FBN1 is classified as likely pathogenic.

This study involves interpretation of variants in research participants for the purpose of population health screening. Participant phenotype was not available at the time of variant classification. Additional details can be found in publication PMID: 35346344, PMCID: PMC8962531

Literature cited by the submitters: PubMed 8101042; PubMed 16199547; PubMed 17657824; PubMed 17701892; PubMed 21063442; PubMed 25652356; PubMed 28973303; PubMed 30286810.

NM_000138.5(FBN1):c.6739+2T>C

Gene: FBN1 (fibrillin 1; minus strand). Cytogenetic location: 15q21.1.
Variant type: single nucleotide variant.
Coding change: c.6739+2T>C on transcript NM_000138.5 (MANE Select); the canonical splice donor site of the intron after coding-DNA position 6739, T replaced by C.
Molecular consequence: splice donor variant.
Genome position (GRCh38, 1-based): chr15:48,432,864, A>G on the plus strand (T>C on the coding strand, the complement: FBN1 is on the minus strand). VCF-style: chr15-48432864-A-G. GRCh37 (hg19) VCF-style: chr15-48725061-A-G.
Other names: c.6739+2T>C (NM_001406716.1).
Identifiers: ClinVar variation 3072794 (VCV003072794.1), dbSNP rs730880107, ClinGen allele CA392333147.